The following is an entry in ClinVar:

ClinVar aggregate classification (germline): Uncertain significance (1 of 4 stars; one submission).

Submission:

Labcorp Genetics (formerly Invitae), Labcorp
Classification: Uncertain significance. Last evaluated: 2022-03-19. Review status: criteria provided, single submitter. Criteria: Invitae Variant Classification Sherloc (09022015). Collection method: clinical testing. Allele origin: germline.
Comment: This sequence change replaces histidine, which is basic and polar, with glutamine, which is neutral and polar, at codon 901 of the ITGA8 protein (p.His901Gln). This variant is not present in population databases (gnomAD no frequency). This variant has not been reported in the literature in individuals affected with ITGA8-related conditions. Algorithms developed to predict the effect of missense changes on protein structure and function are either unavailable or do not agree on the potential impact of this missense change (SIFT: "Deleterious"; PolyPhen-2: "Benign"; Align-GVGD: "Class C0"). In summary, the available evidence is currently insufficient to determine the role of this variant in disease. Therefore, it has been classified as a Variant of Uncertain Significance.

NM_003638.3(ITGA8):c.2703T>A (p.His901Gln)

Gene: ITGA8 (integrin subunit alpha 8; minus strand). Cytogenetic location: 10p13.
Variant type: single nucleotide variant.
Coding change: c.2703T>A on transcript NM_003638.3 (MANE Select); coding-DNA position 2703, T replaced by A.
Protein change: p.His901Gln; replaces histidine 901 with glutamine.
Molecular consequence: missense variant.
Genome position (GRCh38, 1-based): chr10:15,558,137, A>T on the plus strand (T>A on the coding strand, the complement: ITGA8 is on the minus strand). VCF-style: chr10-15558137-A-T. GRCh37 (hg19) VCF-style: chr10-15600136-A-T.
Other names: c.2658T>A, p.His886Gln (NM_001291494.2); short protein forms H886Q, H901Q.
Identifiers: ClinVar variation 2114137 (VCV002114137.4), dbSNP rs2491870719, ClinGen allele CA376095755.